The following is an entry in ClinVar:

ClinVar aggregate classification (germline): Likely pathogenic. Review status: criteria provided, multiple submitters, no conflicts (2 of 4 stars). 2 submissions from 2 submitters: Likely pathogenic (2). Last evaluated 2023-11-01.

Submissions (2):

CeGaT Center for Human Genetics Tuebingen
Classification: Likely pathogenic. Last evaluated: 2023-11-01. Review status: criteria provided, single submitter. Criteria: CeGaT Center For Human Genetics Tuebingen Variant Classification Criteria Version 2. Collection method: clinical testing. Allele origin: germline. Affected: yes. Observed: 1 variant allele.
Comment: SHANK2: PVS1:Strong, PM2

Genetic Services Laboratory, University of Chicago
Classification: Likely pathogenic. Last evaluated: 2020-01-29. Review status: criteria provided, single submitter. Criteria: ACMG Guidelines, 2015. Collection method: clinical testing. Allele origin: germline. Affected: yes.

NM_012309.5(SHANK2):c.1987C>T (p.Gln663Ter)

Gene: SHANK2 (SH3 and multiple ankyrin repeat domains 2; minus strand). Cytogenetic location: 11q13.4.
Variant type: single nucleotide variant.
Coding change: c.1987C>T on transcript NM_012309.5 (MANE Select); coding-DNA position 1987, C replaced by T.
Protein change: p.Gln663Ter; replaces glutamine 663 with a stop codon.
Molecular consequence: nonsense. On other transcripts: non-coding transcript variant (1).
Genome position (GRCh38, 1-based): chr11:70,659,902, G>A on the plus strand (C>T on the coding strand, the complement: SHANK2 is on the minus strand). VCF-style: chr11-70659902-G-A. GRCh37 (hg19) VCF-style: chr11-70506007-G-A.
Other names: c.850C>T, p.Gln284Ter (NM_001379226.1); c.223C>T, p.Gln75Ter (NM_133266.5); short protein forms Q284*, Q663*, Q75*.
Identifiers: ClinVar variation 1338535 (VCV001338535.28), dbSNP rs2134263074, ClinGen allele CA381957214.